The following is an entry in ClinVar:

NM_006147.4(IRF6):c.443A>G (p.Asp148Gly)

Gene: IRF6 (interferon regulatory factor 6; minus strand). Cytogenetic location: 1q32.2.
Variant type: single nucleotide variant.
Coding change: c.443A>G on transcript NM_006147.4 (MANE Select); coding-DNA position 443, A replaced by G.
Protein change: p.Asp148Gly; replaces aspartic acid 148 with glycine.
Molecular consequence: missense variant.
Genome position (GRCh38, 1-based): chr1:209,795,355, T>C on the plus strand (A>G on the coding strand, the complement: IRF6 is on the minus strand). VCF-style: chr1-209795355-T-C. GRCh37 (hg19) VCF-style: chr1-209968700-T-C.
Other names: c.158A>G, p.Asp53Gly (NM_001206696.2); short protein forms D148G, D53G.
Identifiers: ClinVar variation 559489 (VCV000559489.2), dbSNP rs1553248182, ClinGen allele CA344582558.

ClinVar aggregate classification (germline): Benign (0 of 4 stars; one submission).

Conditions:
Orofacial cleft 10 (OFC10). Also called: CLEFT LIP WITH OR WITHOUT CLEFT PALATE, NONSYNDROMIC, 10. Identifiers: MedGen C1866070, MONDO:0013378, OMIM 613705.

Submission:

Pharmacology and Genetics Laboratory, Bauru School of Dentistry, University of Sao Paulo
Classification: Benign for Orofacial cleft 10. Review status: no assertion criteria provided. Collection method: case-control. Allele origin: unknown. Affected: yes. Observed: 1 variant allele.
Comment: In silico analysis revealed polyphen prediction benign with polyphen score 0.24. Provean protein Batch - SIFT was predicted as tolerated with score 0.20. Mutation tester predicted disease causing.

Literature cited by the submitters: PubMed 27834299; PubMed 26346622; PubMed 28762674.